The following is an entry in ClinVar:

NM_006231.4(POLE):c.5276A>T (p.Asp1759Val)

Gene: POLE (DNA polymerase epsilon, catalytic subunit; minus strand). Cytogenetic location: 12q24.33.
Variant type: single nucleotide variant.
Coding change: c.5276A>T on transcript NM_006231.4 (MANE Select); coding-DNA position 5276, A replaced by T.
Protein change: p.Asp1759Val; replaces aspartic acid 1759 with valine.
Molecular consequence: missense variant.
Genome position (GRCh38, 1-based): chr12:132,641,749, T>A on the plus strand (A>T on the coding strand, the complement: POLE is on the minus strand). VCF-style: chr12-132641749-T-A. GRCh37 (hg19) VCF-style: chr12-133218335-T-A.
Other names: short protein forms D1759V.
Identifiers: ClinVar variation 4825827 (VCV004825827.1).

ClinVar aggregate classification (germline): Uncertain significance (1 of 4 stars; one submission).

Conditions:
Hereditary cancer-predisposing syndrome. Also called: Neoplastic Syndromes, Hereditary; Tumor predisposition; Hereditary Cancer Syndrome; Hereditary neoplastic syndrome. Identifiers: Orphanet 140162, MedGen C0027672, MeSH D009386, MONDO:0015356.

Submission:

Ambry Genetics
Classification: Uncertain significance for Hereditary cancer-predisposing syndrome. Last evaluated: 2026-03-08. Review status: criteria provided, single submitter. Criteria: Ambry Variant Classification Scheme 2023. Collection method: clinical testing. Allele origin: germline.
Comment: The p.D1759V variant (also known as c.5276A>T), located in coding exon 39 of the POLE gene, results from an A to T substitution at nucleotide position 5276. The aspartic acid at codon 1759 is replaced by valine, an amino acid with highly dissimilar properties. This amino acid position is conserved. In addition, the in silico prediction for this alteration is inconclusive. Based on the available evidence, the clinical significance of this variant remains unclear.